The following is an entry in ClinVar:

ClinVar aggregate classification (germline): Uncertain significance (1 of 4 stars; one submission).

Conditions:
Familial cancer of breast. Also called: Hereditary breast cancer; hereditary breast carcinoma; BREAST CANCER, FAMILIAL. Identifiers: Orphanet 227535, MedGen C0346153, MONDO:0016419, OMIM 114480. Disease mechanism: loss of function.

Submission:

Labcorp Genetics (formerly Invitae), Labcorp
Classification: Uncertain significance for Familial cancer of breast. Last evaluated: 2025-11-09. Review status: criteria provided, single submitter. Criteria: Invitae Variant Classification Sherloc (09022015). Collection method: clinical testing. Allele origin: germline.
Comment: This sequence change replaces isoleucine, which is neutral and non-polar, with methionine, which is neutral and non-polar, at codon 440 of the CHEK2 protein (p.Ile440Met). This variant is not present in population databases (gnomAD no frequency). This variant has not been reported in the literature in individuals affected with CHEK2-related conditions. An algorithm developed to predict the effect of missense changes on protein structure and function (PolyPhen-2) suggests that this variant is likely to be disruptive. In summary, the available evidence is currently insufficient to determine the role of this variant in disease. Therefore, it has been classified as a Variant of Uncertain Significance.

NM_007194.4(CHEK2):c.1320C>G (p.Ile440Met)

Gene: CHEK2 (checkpoint kinase 2; minus strand). Cytogenetic location: 22q12.1.
Variant type: single nucleotide variant.
Coding change: c.1320C>G on transcript NM_007194.4 (MANE Select); coding-DNA position 1320, C replaced by G.
Protein change: p.Ile440Met; replaces isoleucine 440 with methionine.
Molecular consequence: missense variant.
Genome position (GRCh38, 1-based): chr22:28,695,182, G>C on the plus strand (C>G on the coding strand, the complement: CHEK2 is on the minus strand). VCF-style: chr22-28695182-G-C. GRCh37 (hg19) VCF-style: chr22-29091170-G-C.
Other names: c.657C>G, p.Ile219Met (NM_001437942.1, NM_001257387.3); c.1413C>G, p.Ile471Met (NM_001438293.1); c.1362C>G, p.Ile454Met (NM_001438294.1); c.1449C>G, p.Ile483Met (NM_001005735.3); c.1119C>G, p.Ile373Met (NM_001349956.3); c.1326C>G, p.Ile442Met (NM_001438295.1); c.1233C>G, p.Ile411Met (NM_145862.3); short protein forms I219M, I440M, I483M, I373M, I411M, I471M, I442M, I454M.
Identifiers: ClinVar variation 4730759 (VCV004730759.1).
Genomic context (GRCh38, chr22:28,695,182, plus strand): 5'-CATACCTTTCTCTGAGACTTCTGCCCAGACTTCAGGAATGAAGTTGTATTTTCCACTGGT[G>C]ATCTGATCCTTCAGTGACACTTGAGTCCTATGCTCAGAGAAAGGTGGATACCCACTAAGG-3'
Protein context (NP_009125.1, residues 430-450): HRTQVSLKDQ[Ile440Met]TSGKYNFIPE